The following is an entry in ClinVar:

NM_000179.3(MSH6):c.1915G>C (p.Glu639Gln)

Gene: MSH6 (mutS homolog 6; plus strand). Cytogenetic location: 2p16.3.
Variant type: single nucleotide variant.
Coding change: c.1915G>C on transcript NM_000179.3 (MANE Select); coding-DNA position 1915, G replaced by C.
Protein change: p.Glu639Gln; replaces glutamic acid 639 with glutamine.
Molecular consequence: missense variant. On other transcripts: non-coding transcript variant (5), intron variant (2).
Genome position (GRCh38, 1-based): chr2:47,799,898, G>C. VCF-style: chr2-47799898-G-C. GRCh37 (hg19) VCF-style: chr2-48027037-G-C.
Other names: c.1525G>C, p.Glu509Gln (NM_001281492.2); c.1009G>C, p.Glu337Gln (NM_001281493.2, NM_001281494.2, NM_001406811.1 and 6 more transcripts); c.1837G>C, p.Glu613Gln (NM_001406804.1); c.1618G>C, p.Glu540Gln (NM_001406805.1, NM_001406797.1, NM_001406801.1 and 10 more transcripts); c.1390G>C, p.Glu464Gln (NM_001406806.1, NM_001406807.1, NM_001406799.1); c.1915G>C, p.Glu639Gln (NM_001406808.1, NM_001406809.1, NM_001406796.1 and 3 more transcripts); c.1921G>C, p.Glu641Gln (NM_001406813.1); c.2011G>C, p.Glu671Gln (NM_001406795.1, NM_001406802.1); and 3 more; short protein forms E337Q, E583Q, E641Q, E540Q, E613Q, E639Q, E509Q, E464Q.
Identifiers: ClinVar variation 2741883 (VCV002741883.3), dbSNP rs143517321, ClinGen allele CA346750219.

ClinVar aggregate classification (germline): Uncertain significance (1 of 4 stars; one submission).

Conditions:
Hereditary nonpolyposis colorectal neoplasms. Identifiers: MedGen C0009405, MeSH D003123.

Submission:

Labcorp Genetics (formerly Invitae), Labcorp
Classification: Uncertain significance for Hereditary nonpolyposis colorectal neoplasms. Last evaluated: 2024-11-15. Review status: criteria provided, single submitter. Criteria: Invitae Variant Classification Sherloc (09022015). Collection method: clinical testing. Allele origin: germline.
Comment: This sequence change replaces glutamic acid, which is acidic and polar, with glutamine, which is neutral and polar, at codon 639 of the MSH6 protein (p.Glu639Gln). This variant is not present in population databases (gnomAD no frequency). This variant has not been reported in the literature in individuals affected with MSH6-related conditions. ClinVar contains an entry for this variant (Variation ID: 2741883). Invitae Evidence Modeling of protein sequence and biophysical properties (such as structural, functional, and spatial information, amino acid conservation, physicochemical variation, residue mobility, and thermodynamic stability) indicates that this missense variant is not expected to disrupt MSH6 protein function with a negative predictive value of 95%. In summary, the available evidence is currently insufficient to determine the role of this variant in disease. Therefore, it has been classified as a Variant of Uncertain Significance.